The following is an entry in ClinVar:

ClinVar aggregate classification (germline): Uncertain significance (1 of 4 stars; one submission).

Submission:

CeGaT Center for Human Genetics Tuebingen
Classification: Uncertain significance. Last evaluated: 2023-02-01. Review status: criteria provided, single submitter. Criteria: CeGaT Center For Human Genetics Tuebingen Variant Classification Criteria Version 2. Collection method: clinical testing. Allele origin: germline. Affected: yes. Observed: 1 variant allele.
Comment: ZIC2: PM2, PP2

NM_007129.5(ZIC2):c.1595T>C (p.Val532Ala)

Gene: ZIC2 (Zic family zinc finger 2; plus strand). Cytogenetic location: 13q32.3.
Variant type: single nucleotide variant.
Coding change: c.1595T>C on transcript NM_007129.5 (MANE Select); coding-DNA position 1595, T replaced by C.
Protein change: p.Val532Ala; replaces valine 532 with alanine.
Molecular consequence: missense variant.
Genome position (GRCh38, 1-based): chr13:99,985,678, T>C. VCF-style: chr13-99985678-T-C. GRCh37 (hg19) VCF-style: chr13-100637932-T-C.
Other names: short protein forms V532A.
Identifiers: ClinVar variation 2498585 (VCV002498585.28), dbSNP rs2501552563, ClinGen allele CA388639898.